The following is an entry in ClinVar:

NM_001008537.3(NEXMIF):c.2251G>C (p.Glu751Gln)

Gene: NEXMIF (neurite extension and migration factor; minus strand). Cytogenetic location: Xq13.3.
Variant type: single nucleotide variant.
Coding change: c.2251G>C on transcript NM_001008537.3 (MANE Select); coding-DNA position 2251, G replaced by C.
Protein change: p.Glu751Gln; replaces glutamic acid 751 with glutamine.
Molecular consequence: missense variant.
Genome position (GRCh38, 1-based): chrX:74,742,306, C>G on the plus strand (G>C on the coding strand, the complement: NEXMIF is on the minus strand). VCF-style: chrX-74742306-C-G. GRCh37 (hg19) VCF-style: chrX-73962141-C-G.
Other names: short protein forms E751Q.
Identifiers: ClinVar variation 4736036 (VCV004736036.1).
Genomic context (GRCh38, chrX:74,742,306, plus strand): 5'-AACTGTTTGATGTCCCAGGAATAACTTCATTCTTTAAATTAGCCTTTGAGGATTGGTTTT[C>G]CAAGAGAGGGCTCATTTGAACAATTGGCTTGCTTTCTTGCCCAGCAGCTTTGACTTTCTT-3'
Protein context (NP_001008537.1, residues 741-761): KPIVQMSPLL[Glu751Gln]NQSSKANLKN

ClinVar aggregate classification (germline): Uncertain significance (1 of 4 stars; one submission).

Submission:

Labcorp Genetics (formerly Invitae), Labcorp
Classification: Uncertain significance. Last evaluated: 2026-01-24. Review status: criteria provided, single submitter. Criteria: Invitae Variant Classification Sherloc (09022015). Collection method: clinical testing. Allele origin: germline.
Comment: This sequence change replaces glutamic acid, which is acidic and polar, with glutamine, which is neutral and polar, at codon 751 of the NEXMIF protein (p.Glu751Gln). This variant is not present in population databases (gnomAD no frequency). This variant has not been reported in the literature in individuals affected with NEXMIF-related conditions. An algorithm developed to predict the effect of missense changes on protein structure and function (PolyPhen-2) suggests that this variant is likely to be tolerated. In summary, the available evidence is currently insufficient to determine the role of this variant in disease. Therefore, it has been classified as a Variant of Uncertain Significance.